The following is an entry in ClinVar:

ClinVar aggregate classification (germline): Likely benign. Review status: criteria provided, multiple submitters, no conflicts (2 of 4 stars). 5 submissions from 5 submitters: Likely benign (4). 1 of the submissions does not count toward it. Last evaluated 2024-09-16.

Conditions:
TRDN-related disorder. Also called: TRDN-related condition.
Catecholaminergic polymorphic ventricular tachycardia 5 (CARDAR). Also called: CARDIAC ARRHYTHMIA SYNDROME, WITH OR WITHOUT SKELETAL MUSCLE WEAKNESS; Ventricular tachycardia, catecholaminergic polymorphic, 5, with or without muscle weakness. Identifiers: Orphanet 3286, MedGen C3809536, MONDO:0014191, OMIM 615441.

Allele frequency attached by ClinVar (database versions not stated): ESP Exome Variant Server 0.00008; gnomAD 0.00011 and 0.00023; TOPMed 0.00021; gnomAD exomes 0.00039 and 0.00077; 1000 Genomes Project 0.00040; 1000 Genomes Project 30x 0.00047; ExAC 0.00090.
gnomAD v4.1: 603 of 1,612,962 alleles (0.037%); highest among the groups gnomAD compares: South Asian, 0.29%; 8 homozygotes.

Submissions (5):

ARUP Laboratories, Molecular Genetics and Genomics, ARUP Laboratories
Classification: Likely benign for Catecholaminergic polymorphic ventricular tachycardia 5. Last evaluated: 2024-09-16. Review status: criteria provided, single submitter. Criteria: ARUP Molecular Germline Variant Investigation Process 2024. Collection method: clinical testing. Allele origin: germline.

Blueprint Genetics
Classification: Likely benign. Last evaluated: 2024-08-12. Review status: criteria provided, single submitter. Criteria: ACMG Guidelines, 2015. Collection method: clinical testing. Allele origin: germline.

CeGaT Center for Human Genetics Tuebingen
Classification: Likely benign. Last evaluated: 2023-06-01. Review status: criteria provided, single submitter. Criteria: CeGaT Center For Human Genetics Tuebingen Variant Classification Criteria Version 2. Collection method: clinical testing. Allele origin: germline. Affected: yes. Observed: 1 variant allele.
Comment: TRDN: BS2

Laboratory for Molecular Medicine, Mass General Brigham Personalized Medicine
Classification: Likely benign. Last evaluated: 2017-09-12. Review status: criteria provided, single submitter. Criteria: LMM Criteria. Collection method: clinical testing. Allele origin: germline. Observed: 1 variant allele.
Comment: p.Gly274Arg in exon 8C of TRDN: This variant is not expected to have clinical si gnificance because it has been identified in 0.27% (84/30638) of South Asian chr omosomes, including 3 homozygotes, by the Genome Aggregation Database (gnomAD; dbSNP rs189106156). This variant lacks conserv ation across species, including mammals. Of note, greater than 10 species have t he c.820G>A mutation despite high nearby amino acid conservation. In addition, c omputational prediction tools do not suggest a high likelihood of impact to the protein.

PreventionGenetics, part of Exact Sciences
Classification: Likely benign for TRDN-related condition. Last evaluated: 2022-01-20. Review status: no assertion criteria provided. Collection method: clinical testing. Allele origin: germline. Not counted in ClinVar's aggregate classification.
Comment: This variant is classified as likely benign based on ACMG/AMP sequence variant interpretation guidelines (Richards et al. 2015 PMID: 25741868, with internal and published modifications).

NM_001256021.2(TRDN):c.820G>A (p.Gly274Arg)

Gene: TRDN (triadin; minus strand). Cytogenetic location: 6q22.31.
Variant type: single nucleotide variant.
Coding change: c.820G>A on transcript NM_001256021.2 (MANE Plus Clinical); coding-DNA position 820, G replaced by A.
Protein change: p.Gly274Arg; replaces glycine 274 with arginine.
Molecular consequence: missense variant. On other transcripts: intron variant (3).
Genome position (GRCh38, 1-based): chr6:123,503,692, C>T on the plus strand (G>A on the coding strand, the complement: TRDN is on the minus strand). VCF-style: chr6-123503692-C-T. GRCh37 (hg19) VCF-style: chr6-123824837-C-T.
Other names: c.793+27G>A (NM_006073.4, NM_001251987.2, NM_001256020.2); short protein forms G274R.
Identifiers: ClinVar variation 504836 (VCV000504836.32), dbSNP rs189106156, ClinGen allele CA3984290.